The following is an entry in ClinVar:

ClinVar aggregate classification (germline): Uncertain significance (1 of 4 stars; one submission).

Allele frequency attached by ClinVar (database versions not stated): TOPMed 0.00001; gnomAD 0.00003.
gnomAD v4.1: 8 of 1,614,068 alleles (0.0005%); highest among the groups gnomAD compares: African/African-American, 0.0093%; no homozygotes.

Submission:

Labcorp Genetics (formerly Invitae), Labcorp
Classification: Uncertain significance. Last evaluated: 2022-04-07. Review status: criteria provided, single submitter. Criteria: Invitae Variant Classification Sherloc (09022015). Collection method: clinical testing. Allele origin: germline.
Comment: This sequence change replaces serine, which is neutral and polar, with arginine, which is basic and polar, at codon 618 of the CNGA1 protein (p.Ser618Arg). This variant is present in population databases (rs769653731, gnomAD 0.007%). This variant has not been reported in the literature in individuals affected with CNGA1-related conditions. Algorithms developed to predict the effect of missense changes on protein structure and function (SIFT, PolyPhen-2, Align-GVGD) all suggest that this variant is likely to be tolerated. In summary, the available evidence is currently insufficient to determine the role of this variant in disease. Therefore, it has been classified as a Variant of Uncertain Significance.

NM_001379270.1(CNGA1):c.1842T>A (p.Ser614Arg)

Genes: CNGA1 (cyclic nucleotide gated channel subunit alpha 1; minus strand), LOC101927157 (uncharacterized LOC101927157; plus strand). Cytogenetic location: 4p12.
Variant type: single nucleotide variant.
Coding change: c.1842T>A on transcript NM_001379270.1 (MANE Select); coding-DNA position 1842, T replaced by A.
Protein change: p.Ser614Arg; replaces serine 614 with arginine.
Molecular consequence: missense variant.
Genome position (GRCh38, 1-based): chr4:47,936,640, A>T on the plus strand (T>A on the coding strand, the complement: CNGA1 is on the minus strand). VCF-style: chr4-47936640-A-T. GRCh37 (hg19) VCF-style: chr4-47938657-A-T.
Other names: c.1842T>A, p.Ser614Arg (NM_000087.5, NM_001142564.2); short protein forms S614R.
Identifiers: ClinVar variation 1928530 (VCV001928530.2), dbSNP rs769653731, ClinGen allele CA2911008.
Genomic context (GRCh38, chr4:47,936,640, plus strand): 5'-TTGCAGGAGGTCTACTGACCCCTCCATTCGAGTAACCTTCTCTTCAAGATCTTTAGGATC[A>T]CTGCCAGCATTTGCAATGTTTAGATCCAGTAGACCATCTTTCATTAAAATCTGCTTCCCT-3'
Protein context (NP_001366199.1, residues 604-624): LLDLNIANAG[Ser614Arg]DPKDLEEKVT